The following is an entry in ClinVar:

NM_006648.4(WNK2):c.2983C>A (p.Gln995Lys)

Gene: WNK2 (WNK lysine deficient protein kinase 2; plus strand). Cytogenetic location: 9q22.31.
Variant type: single nucleotide variant.
Coding change: c.2983C>A on transcript NM_006648.4 (MANE Select); coding-DNA position 2983, C replaced by A.
Protein change: p.Gln995Lys; replaces glutamine 995 with lysine.
Molecular consequence: missense variant.
Genome position (GRCh38, 1-based): chr9:93,259,531, C>A. VCF-style: chr9-93259531-C-A. GRCh37 (hg19) VCF-style: chr9-96021813-C-A.
Other names: c.2983C>A, p.Gln995Lys (NM_001282394.3); short protein forms Q995K.
Identifiers: ClinVar variation 3981718 (VCV003981718.1).
Genomic context (GRCh38, chr9:93,259,531, plus strand): 5'-CCCCCTCAACCTGTGCTGCCCCCGCAACCCATGCTGCCCCCACAACCTGTGCTGCCCCCG[C>A]AGCCGGCACTGCCTGTGCGCCCTGAGCCCCTCCAGCCCCACCTTCCTGAACAAGCTGCTC-3'
Protein context (NP_006639.3, residues 985-1005): MLPPQPVLPP[Gln995Lys]PALPVRPEPL

ClinVar aggregate classification (germline): Uncertain significance (1 of 4 stars; one submission).

gnomAD v4.1: 7 of 1,591,628 alleles (0.00044%); highest among the groups gnomAD compares: Non-Finnish European, 0.0006%; no homozygotes.

Submission:

Ambry Genetics
Classification: Uncertain significance. Last evaluated: 2025-03-26. Review status: criteria provided, single submitter. Criteria: Ambry Variant Classification Scheme 2023. Collection method: clinical testing. Allele origin: germline.
Comment: The p.Q995K variant (also known as c.2983C>A), located in coding exon 11 of the WNK2 gene, results from a C to A substitution at nucleotide position 2983. The glutamine at codon 995 is replaced by lysine, an amino acid with similar properties. This amino acid position is conserved. In addition, this alteration is predicted to be tolerated by in silico analysis. Based on the available evidence, the clinical significance of this variant remains unclear.